The following is an entry in ClinVar:

ClinVar aggregate classification (germline): Likely pathogenic (1 of 4 stars; one submission).

Submission:

Labcorp Genetics (formerly Invitae), Labcorp
Classification: Likely pathogenic. Last evaluated: 2021-12-21. Review status: criteria provided, single submitter. Criteria: Invitae Variant Classification Sherloc (09022015). Collection method: clinical testing. Allele origin: germline.
Comment: This variant has not been reported in the literature in individuals affected with PDE6A-related conditions. In summary, the currently available evidence indicates that the variant is pathogenic, but additional data are needed to prove that conclusively. Therefore, this variant has been classified as Likely Pathogenic. Algorithms developed to predict the effect of sequence changes on RNA splicing suggest that this variant may disrupt the consensus splice site. This variant is not present in population databases (gnomAD no frequency). This variant results in the deletion of part of exon 5 (c.929_933+14del) of the PDE6A gene. It is expected to disrupt RNA splicing. Variants that disrupt the donor or acceptor splice site typically lead to a loss of protein function (PMID: 16199547), and loss-of-function variants in PDE6A are known to be pathogenic (PMID: 7493036, 22128245, 23847139).

Literature cited by the submitters: PubMed 16199547; PubMed 7493036; PubMed 22128245; PubMed 23847139.

NM_000440.3(PDE6A):c.929_933+14del

Gene: PDE6A (phosphodiesterase 6A; minus strand). Cytogenetic location: 5q32.
Variant type: Deletion.
Coding change: c.929_933+14del on transcript NM_000440.3 (MANE Select); coding-DNA position 929 through 14 bases into the intron after coding-DNA position 933, 19 bases deleted (GAAGAGTACGTTCTCTCTG).
Molecular consequence: splice donor variant.
Genome position (GRCh38, 1-based): chr5:149,921,621-149,921,639, CAGAGAGAACGTACTCTTC deleted on the plus strand (GAAGAGTACGTTCTCTCTG on the coding strand, the reverse complement: PDE6A is on the minus strand); deleting any 19 consecutive bases within chr5:149,921,621-149,921,641 gives the same sequence; the c. name uses the placement nearest the transcript's 3' end. VCF-style (leftmost placement, unchanged base first): chr5-149921620-TCAGAGAGAACGTACTCTTC-T. GRCh37 (hg19) VCF-style: chr5-149301183-TCAGAGAGAACGTACTCTTC-T.
Identifiers: ClinVar variation 1347522 (VCV001347522.6), dbSNP rs2113640690, ClinGen allele CA2573139266.